The following is an entry in ClinVar:

ClinVar aggregate classification (germline): Uncertain significance. Review status: criteria provided, multiple submitters, no conflicts (2 of 4 stars). 2 submissions from 2 submitters: Uncertain significance (2). Last evaluated 2025-06-17.

Allele frequency attached by ClinVar (database versions not stated): ExAC 0.00003; gnomAD exomes 0.00004 and 0.00002; gnomAD 0.00002.
gnomAD v4.1: 30 of 1,614,052 alleles (0.0019%); highest among the groups gnomAD compares: East Asian, 0.0022%; no homozygotes.

Submissions (2):

Women's Health and Genetics/Laboratory Corporation of America, LabCorp
Classification: Uncertain significance. Last evaluated: 2025-06-17. Review status: criteria provided, single submitter. Criteria: LabCorp Variant Classification Summary - May 2015. Collection method: clinical testing. Allele origin: germline.
Comment: Variant summary: SALL4 c.2935G>A (p.Gly979Ser) results in a non-conservative amino acid change in the encoded protein sequence. Algorithms developed to predict the effect of missense changes on protein structure and function are either unavailable or do not agree on the potential impact of this missense change. The variant allele was found at a frequency of 4e-05 in 251490 control chromosomes. This frequency is not significantly higher than estimated for a pathogenic variant in SALL4 causing SALL4-Related Disorders, allowing no conclusion about variant significance. To our knowledge, no occurrence of c.2935G>A in individuals affected with SALL4-Related Disorders and no experimental evidence demonstrating its impact on protein function have been reported. ClinVar contains an entry for this variant (Variation ID: 1176429). Based on the evidence outlined above, the variant was classified as uncertain significance.

CeGaT Center for Human Genetics Tuebingen
Classification: Uncertain significance. Last evaluated: 2021-06-01. Review status: criteria provided, single submitter. Criteria: CeGaT Center For Human Genetics Tuebingen Variant Classification Criteria Version 2. Collection method: clinical testing. Allele origin: germline. Affected: yes. Observed: 1 variant allele.

NM_020436.5(SALL4):c.2935G>A (p.Gly979Ser)

Gene: SALL4 (spalt like transcription factor 4; minus strand). Cytogenetic location: 20q13.2.
Variant type: single nucleotide variant.
Coding change: c.2935G>A on transcript NM_020436.5 (MANE Select); coding-DNA position 2935, G replaced by A.
Protein change: p.Gly979Ser; replaces glycine 979 with serine.
Molecular consequence: missense variant.
Genome position (GRCh38, 1-based): chr20:51,784,492, C>T on the plus strand (G>A on the coding strand, the complement: SALL4 is on the minus strand). VCF-style: chr20-51784492-C-T. GRCh37 (hg19) VCF-style: chr20-50401031-C-T.
Other names: c.1624G>A, p.Gly542Ser (NM_001318031.2); short protein forms G542S, G979S.
Identifiers: ClinVar variation 1176429 (VCV001176429.36), dbSNP rs779372301, ClinGen allele CA9911966.